The following is an entry in ClinVar:

ClinVar aggregate classification (germline): Pathogenic (1 of 4 stars; one submission).

Submission:

Labcorp Genetics (formerly Invitae), Labcorp
Classification: Pathogenic. Last evaluated: 2023-06-27. Review status: criteria provided, single submitter. Criteria: Invitae Variant Classification Sherloc (09022015). Collection method: clinical testing. Allele origin: unknown.
Comment: For these reasons, this variant has been classified as Pathogenic. This variant has not been reported in the literature in individuals affected with SLC26A3-related conditions. A gross deletion of the genomic region encompassing the full coding sequence of the SLC26A3 gene has been identified. Loss-of-function variants in SLC26A3 are known to be pathogenic (PMID: 9718329, 21394828). The boundaries of this event are unknown as they extend beyond the assayed region for this gene and therefore may encompass additional genes.

Literature cited by the submitters: PubMed 9718329; PubMed 21394828.

NC_000007.13:g.(?_102937907)_(108155935_?)del

Genes: ATXN7L1 (ataxin 7 like 1; minus strand), BCAP29 (B cell receptor associated protein 29; plus strand), CBLL1 (Cbl proto-oncogene like 1; plus strand), CCDC71L (coiled-coil domain containing 71 like; minus strand), CDHR3 (cadherin related family member 3; plus strand) and 26 more. Cytogenetic location: 7q22.1-31.1.
Variant type: Deletion.
Identifiers: ClinVar variation 3245840 (VCV003245840.1).